The following is an entry in ClinVar:

NM_000038.6(APC):c.8254A>T (p.Asn2752Tyr)

Gene: APC (APC regulator of Wnt signaling pathway; plus strand). Cytogenetic location: 5q22.2.
Variant type: single nucleotide variant.
Coding change: c.8254A>T on transcript NM_000038.6 (MANE Select); coding-DNA position 8254, A replaced by T.
Protein change: p.Asn2752Tyr; replaces asparagine 2752 with tyrosine.
Molecular consequence: missense variant.
Genome position (GRCh38, 1-based): chr5:112,843,848, A>T. VCF-style: chr5-112843848-A-T. GRCh37 (hg19) VCF-style: chr5-112179545-A-T.
Other names: c.8254A>T, p.Asn2752Tyr (NM_001127510.3, NM_001354895.2, NM_001407450.1); c.8200A>T, p.Asn2734Tyr (NM_001127511.3); c.8308A>T, p.Asn2770Tyr (NM_001354896.2, NM_001407447.1, NM_001407448.1 and 1 more transcripts); c.8284A>T, p.Asn2762Tyr (NM_001354897.2); c.8179A>T, p.Asn2727Tyr (NM_001354898.2); c.8170A>T, p.Asn2724Tyr (NM_001354899.2); c.8131A>T, p.Asn2711Tyr (NM_001354900.2); c.8077A>T, p.Asn2693Tyr (NM_001354901.2, NM_001407453.1); and 11 more; short protein forms N2368Y, N2469Y, N2661Y, N2669Y, N2780Y, N2592Y, N2724Y, N2727Y.
Identifiers: ClinVar variation 2114067 (VCV002114067.5), dbSNP rs1766693791, ClinGen allele CA16039244.

ClinVar aggregate classification (germline): Uncertain significance. Review status: criteria provided, multiple submitters, no conflicts (2 of 4 stars). 2 submissions from 2 submitters: Uncertain significance (2). Last evaluated 2024-07-20.

Conditions:
Familial adenomatous polyposis 1 (FAP1). Also called: FAMILIAL ADENOMATOUS POLYPOSIS 1, ATTENUATED; POLYPOSIS, ADENOMATOUS INTESTINAL. Identifiers: MedGen C2713442, MONDO:0021056, OMIM 175100. Disease mechanism: loss of function.
Classic or attenuated familial adenomatous polyposis. Identifiers: MedGen CN372698, MONDO:0021057.

Submissions (2):

All of Us Research Program, National Institutes of Health
Classification: Uncertain significance for Classic or attenuated familial adenomatous polyposis. Last evaluated: 2024-07-20. Review status: criteria provided, single submitter. Criteria: ACMG Guidelines, 2015. Collection method: clinical testing. Allele origin: germline. Inheritance: Autosomal dominant inheritance. Observed: 1 variant allele, 1 heterozygote.
Comment: This missense variant replaces asparagine with tyrosine at codon 2752 of the APC protein. Computational prediction suggests that this variant may not impact protein structure and function (internally defined REVEL score threshold <= 0.5, PMID: 27666373). To our knowledge, functional studies have not been reported for this variant. This variant has not been reported in individuals affected with APC-related disorders in the literature. This variant has not been identified in the general population by the Genome Aggregation Database (gnomAD). The available evidence is insufficient to determine the role of this variant in disease conclusively. Therefore, this variant is classified as a Variant of Uncertain Significance.

This study involves interpretation of variants in research participants for the purpose of population health screening. Participant phenotype was not available at the time of variant classification. Additional details can be found in publication PMID: 35346344, PMCID: PMC8962531

Labcorp Genetics (formerly Invitae), Labcorp
Classification: Uncertain significance for Familial adenomatous polyposis 1. Last evaluated: 2024-04-08. Review status: criteria provided, single submitter. Criteria: Invitae Variant Classification Sherloc (09022015). Collection method: clinical testing. Allele origin: germline.
Comment: This sequence change replaces asparagine, which is neutral and polar, with tyrosine, which is neutral and polar, at codon 2752 of the APC protein (p.Asn2752Tyr). This variant is not present in population databases (gnomAD no frequency). This variant has not been reported in the literature in individuals affected with APC-related conditions. ClinVar contains an entry for this variant (Variation ID: 2114067). Advanced modeling of protein sequence and biophysical properties (such as structural, functional, and spatial information, amino acid conservation, physicochemical variation, residue mobility, and thermodynamic stability) performed at Invitae indicates that this missense variant is not expected to disrupt APC protein function with a negative predictive value of 95%. In summary, the available evidence is currently insufficient to determine the role of this variant in disease. Therefore, it has been classified as a Variant of Uncertain Significance.